The following is an entry in ClinVar:

NM_020810.3(TRMT5):c.461C>G (p.Ala154Gly)

Gene: TRMT5 (tRNA methyltransferase 5; minus strand). Cytogenetic location: 14q23.1.
Variant type: single nucleotide variant.
Coding change: c.461C>G on transcript NM_020810.3 (MANE Select); coding-DNA position 461, C replaced by G.
Protein change: p.Ala154Gly; replaces alanine 154 with glycine.
Molecular consequence: missense variant.
Genome position (GRCh38, 1-based): chr14:60,979,437, G>C on the plus strand (C>G on the coding strand, the complement: TRMT5 is on the minus strand). VCF-style: chr14-60979437-G-C. GRCh37 (hg19) VCF-style: chr14-61446155-G-C.
Other names: c.545C>G, p.Ala182Gly (NM_001350253.1); c.542C>G, p.Ala181Gly (NM_001350254.1); short protein forms A182G, A154G, A181G.
Identifiers: ClinVar variation 1952616 (VCV001952616.5), dbSNP rs201318503, ClinGen allele CA261752505.

ClinVar aggregate classification (germline): Uncertain significance (1 of 4 stars; one submission).

Allele frequency attached by ClinVar (database versions not stated): gnomAD exomes 0.00002.
gnomAD v4.1: 9 of 1,614,138 alleles (0.00056%); highest among the groups gnomAD compares: South Asian, 0.0022%; no homozygotes.

Submission:

Labcorp Genetics (formerly Invitae), Labcorp
Classification: Uncertain significance. Last evaluated: 2022-11-08. Review status: criteria provided, single submitter. Criteria: Invitae Variant Classification Sherloc (09022015). Collection method: clinical testing. Allele origin: germline.
Comment: In summary, the available evidence is currently insufficient to determine the role of this variant in disease. Therefore, it has been classified as a Variant of Uncertain Significance. Advanced modeling of protein sequence and biophysical properties (such as structural, functional, and spatial information, amino acid conservation, physicochemical variation, residue mobility, and thermodynamic stability) performed at Invitae indicates that this missense variant is not expected to disrupt TRMT5 protein function. This variant has not been reported in the literature in individuals affected with TRMT5-related conditions. This variant is present in population databases (rs201318503, gnomAD 0.003%). This sequence change replaces alanine, which is neutral and non-polar, with glycine, which is neutral and non-polar, at codon 154 of the TRMT5 protein (p.Ala154Gly).